The following is an entry in ClinVar:

NM_001913.5(CUX1):c.1513A>G (p.Ile505Val)

Gene: CUX1 (cut like homeobox 1; plus strand). Cytogenetic location: 7q22.1.
Variant type: single nucleotide variant.
Coding change: c.1513A>G on transcript NM_001913.5 (MANE Plus Clinical); coding-DNA position 1513, A replaced by G.
Protein change: p.Ile505Val; replaces isoleucine 505 with valine.
Molecular consequence: missense variant.
Genome position (GRCh38, 1-based): chr7:102,275,309, A>G. VCF-style: chr7-102275309-A-G. GRCh37 (hg19) VCF-style: chr7-101918580-A-G.
Other names: c.1465A>G, p.Ile489Val (NM_001202544.3); c.1375A>G, p.Ile459Val (NM_001202545.3); c.1396A>G, p.Ile466Val (NM_001202546.3); c.1507A>G, p.Ile503Val (NM_181500.4); short protein forms I505V, I459V, I466V, I489V, I503V.
Identifiers: ClinVar variation 5000593 (VCV005000593.1).
Genomic context (GRCh38, chr7:102,275,309, plus strand): 5'-CCTGCAGCACCAGCCAGCGGTGCCCTCCCAGAGGGCCAGGTGGATTCACTGCTTTCCATC[A>G]TCTCCAGCCAGAGGGAGCGCTTCCGTGCCCGGAACCAGGAGCTTGAGGCCGTGAGTCACA-3'
Protein context (NP_001904.2, residues 495-515): EGQVDSLLSI[Ile505Val]SSQRERFRAR

ClinVar aggregate classification (germline): Uncertain significance (1 of 4 stars; one submission).

Conditions:
CUX1-related disorder. Also called: CUX1-related condition.

Submission:

PreventionGenetics, part of Exact Sciences
Classification: Uncertain significance for CUX1-related condition. Last evaluated: 2025-02-03. Review status: criteria provided, single submitter. Criteria: ACMG Guidelines, 2015. Collection method: clinical testing. Allele origin: germline.
Comment: The CUX1 c.1465A>G variant is predicted to result in the amino acid substitution p.Ile489Val. To our knowledge, this variant has not been reported in the literature or in a large population database (gnomAD), indicating this variant is rare. At this time, the clinical significance of this variant is uncertain due to the absence of conclusive functional and genetic evidence.